The following is an entry in ClinVar:

ClinVar aggregate classification (germline): Uncertain significance (1 of 4 stars; one submission).

gnomAD v4.1: 4 of 1,614,052 alleles (0.00025%); highest among the groups gnomAD compares: Non-Finnish European, 0.000085%; no homozygotes.

Submission:

Labcorp Genetics (formerly Invitae), Labcorp
Classification: Uncertain significance. Last evaluated: 2025-02-20. Review status: criteria provided, single submitter. Criteria: Invitae Variant Classification Sherloc (09022015). Collection method: clinical testing. Allele origin: germline.
Comment: This sequence change replaces serine, which is neutral and polar, with proline, which is neutral and non-polar, at codon 130 of the RGR protein (p.Ser130Pro). This variant is present in population databases (rs764724390, gnomAD 0.0009%). This variant has not been reported in the literature in individuals affected with RGR-related conditions. An algorithm developed to predict the effect of missense changes on protein structure and function outputs the following: PolyPhen-2: "Not Available". The proline amino acid residue is found in multiple mammalian species, which suggests that this missense change does not adversely affect protein function. In summary, the available evidence is currently insufficient to determine the role of this variant in disease. Therefore, it has been classified as a Variant of Uncertain Significance.

NM_001012720.2(RGR):c.388T>C (p.Ser130Pro)

Gene: RGR (retinal G protein coupled receptor; plus strand). Cytogenetic location: 10q23.1.
Variant type: single nucleotide variant.
Coding change: c.388T>C on transcript NM_001012720.2 (MANE Select); coding-DNA position 388, T replaced by C.
Protein change: p.Ser130Pro; replaces serine 130 with proline.
Molecular consequence: missense variant.
Genome position (GRCh38, 1-based): chr10:84,252,886, T>C. VCF-style: chr10-84252886-T-C. GRCh37 (hg19) VCF-style: chr10-86012642-T-C.
Other names: c.388T>C, p.Ser130Pro (NM_001012722.2); c.400T>C, p.Ser134Pro (NM_002921.4); short protein forms S130P, S134P.
Identifiers: ClinVar variation 4697102 (VCV004697102.1).
Genomic context (GRCh38, chr10:84,252,886, plus strand): 5'-CAACCTCCTCTTCTTCCTCTGTCCTGTGCAGGTAGCCAGCTGGCCTGGAACTCAGCCGTC[T>C]CTCTGGTGCTCTTCGTGTGGCTGTCTTCTGCCTTCTGGGCAGCTCTGCCCCTTCTGGGTT-3'
Protein context (NP_001012738.1, residues 120-140): RSQLAWNSAV[Ser130Pro]LVLFVWLSSA